The following is an entry in ClinVar:

ClinVar aggregate classification (germline): Uncertain significance. Review status: criteria provided, multiple submitters, no conflicts (2 of 4 stars). 2 submissions from 2 submitters: Uncertain significance (2). Last evaluated 2025-02-05.

Allele frequency attached by ClinVar (database versions not stated): TOPMed below 0.00001; gnomAD 0.00001.

Submissions (2):

Labcorp Genetics (formerly Invitae), Labcorp
Classification: Uncertain significance. Last evaluated: 2025-02-05. Review status: criteria provided, single submitter. Criteria: Invitae Variant Classification Sherloc (09022015). Collection method: clinical testing. Allele origin: germline.
Comment: This sequence change replaces glutamic acid, which is acidic and polar, with lysine, which is basic and polar, at codon 90 of the GALNT12 protein (p.Glu90Lys). This variant is not present in population databases (gnomAD no frequency). This variant has not been reported in the literature in individuals affected with GALNT12-related conditions. ClinVar contains an entry for this variant (Variation ID: 955932). Invitae Evidence Modeling of protein sequence and biophysical properties (such as structural, functional, and spatial information, amino acid conservation, physicochemical variation, residue mobility, and thermodynamic stability) indicates that this missense variant is not expected to disrupt GALNT12 protein function with a negative predictive value of 80%. In summary, the available evidence is currently insufficient to determine the role of this variant in disease. Therefore, it has been classified as a Variant of Uncertain Significance.

Ambry Genetics
Classification: Uncertain significance. Last evaluated: 2025-01-14. Review status: criteria provided, single submitter. Criteria: Ambry Variant Classification Scheme 2023. Collection method: clinical testing. Allele origin: germline.

NM_024642.5(GALNT12):c.268G>A (p.Glu90Lys)

Gene: GALNT12 (polypeptide N-acetylgalactosaminyltransferase 12; plus strand). Cytogenetic location: 9q22.33.
Variant type: single nucleotide variant.
Coding change: c.268G>A on transcript NM_024642.5 (MANE Select); coding-DNA position 268, G replaced by A.
Protein change: p.Glu90Lys; replaces glutamic acid 90 with lysine.
Molecular consequence: missense variant.
Genome position (GRCh38, 1-based): chr9:98,807,966, G>A. VCF-style: chr9-98807966-G-A. GRCh37 (hg19) VCF-style: chr9-101570248-G-A.
Other names: short protein forms E90K.
Identifiers: ClinVar variation 955932 (VCV000955932.14), dbSNP rs1482512366, ClinGen allele CA374222686.